The following is an entry in ClinVar:

ClinVar aggregate classification (germline): Likely benign. Review status: criteria provided, multiple submitters, no conflicts (2 of 4 stars). 3 submissions from 3 submitters: Likely benign (3). Last evaluated 2026-04-28.

Conditions:
Colorectal cancer, hereditary nonpolyposis, type 7. Identifiers: Orphanet 144, MedGen C1858380, MONDO:0013725, OMIM 614385.

Allele frequency attached by ClinVar (database versions not stated): gnomAD 0.00003 and 0.00001; gnomAD exomes 0.00004 and 0.00002; ESP Exome Variant Server 0.00008; TOPMed 0.00002; ExAC 0.00006; 1000 Genomes Project 30x 0.00031.
gnomAD v4.1: 28 of 1,613,844 alleles (0.0017%); highest among the groups gnomAD compares: Admixed American, 0.013%; no homozygotes.

Submissions (3):

Myriad Genetics, Inc.
Classification: Likely benign for Colorectal cancer, hereditary nonpolyposis, type 7. Last evaluated: 2026-04-28. Review status: criteria provided, single submitter. Criteria: Myriad Autosomal Dominant, Autosomal Recessive and X-Linked Classification Criteria (2023). Collection method: clinical testing. Allele origin: unknown.
Comment: This variant is considered likely benign. This variant is intronic and is not expected to impact mRNA splicing.

Labcorp Genetics (formerly Invitae), Labcorp
Classification: Likely benign for Colorectal cancer, hereditary nonpolyposis, type 7. Last evaluated: 2026-01-12. Review status: criteria provided, single submitter. Criteria: Invitae Variant Classification Sherloc (09022015). Collection method: clinical testing. Allele origin: germline.

Center for Genomic Medicine, Rigshospitalet, Copenhagen University Hospital
Classification: Likely benign. Last evaluated: 2025-03-04. Review status: criteria provided, single submitter. Criteria: ACMG Guidelines, 2015. Collection method: clinical testing. Allele origin: germline.

NM_001040108.2(MLH3):c.4012-16C>T

Gene: MLH3 (mutL homolog 3; minus strand). Cytogenetic location: 14q24.3.
Variant type: single nucleotide variant.
Coding change: c.4012-16C>T on transcript NM_001040108.2 (MANE Select); 16 bases into the intron before coding-DNA position 4012, C replaced by T.
Molecular consequence: intron variant.
Genome position (GRCh38, 1-based): chr14:75,022,908, G>A on the plus strand (C>T on the coding strand, the complement: MLH3 is on the minus strand). VCF-style: chr14-75022908-G-A. GRCh37 (hg19) VCF-style: chr14-75489611-G-A.
Other names: c.3940-16C>T (NM_014381.3).
Identifiers: ClinVar variation 1697680 (VCV001697680.13), dbSNP rs45498895, ClinGen allele CA7275249.